The following is an entry in ClinVar:

NM_152416.4(NDUFAF6):c.33dup (p.Pro12fs)

Genes: NDUFAF6 (NADH:ubiquinone oxidoreductase complex assembly factor 6; plus strand), LOC113788297 (Sharpr-MPRA regulatory region 2014; plus strand). Cytogenetic location: 8q22.1.
Variant type: Duplication.
Coding change: c.33dup on transcript NM_152416.4 (MANE Select); coding-DNA position 33, one base duplicated (G; older notation c.33dupG).
Protein change: p.Pro12fs; shifts the reading frame from proline 12.
Molecular consequence: frameshift variant. On other transcripts: 5 prime UTR variant (12), non-coding transcript variant (6), intron variant (7).
Genome position (GRCh38, 1-based): chr8:95,025,041, G duplicated; the last of 5 consecutive G bases (chr8:95,025,037-95,025,041); duplicating any one gives the same sequence. VCF-style (leftmost placement, unchanged base first): chr8-95025036-T-TG. GRCh37 (hg19) VCF-style: chr8-96037264-T-TG.
Other names: c.-248dup (NM_001330582.2, NM_001354521.2); c.-201dup (NM_001354517.2); c.-420dup (NM_001354518.2); c.-416dup (NM_001354519.2); c.-765dup (NM_001354527.2); c.-736dup (NM_001354528.2); c.-548dup (NM_001354529.2); c.-650dup (NM_001354530.2); and 9 more; short protein forms P12fs.
Identifiers: ClinVar variation 4845228 (VCV004845228.3).
Genomic context (GRCh38, chr8:95,025,036, plus strand): 5'-GCGGGGGGTCGAAGGGCACGCAGTGCCGGCGTCATGGCGGCCTCCGCGCACGGCTCTGTC[T>TG]GGGGGCCGTTGCGGCTTGGCATCCCCGGCCTGTGCTGCCGCCGGCCGCCTCTGGGTCTGT-3'

ClinVar aggregate classification (germline): Pathogenic/Likely pathogenic. Review status: criteria provided, multiple submitters, no conflicts (2 of 4 stars). 2 submissions from 2 submitters: Pathogenic (1); Likely pathogenic (1). Last evaluated 2025-09-23.

Conditions:
Mitochondrial complex I deficiency, nuclear type 17. Also called: Mitochondrial complex 1 deficiency, nuclear type 17. Identifiers: MedGen C4748786, MONDO:0032622, OMIM 618239.
Fanconi renotubular syndrome 5. Also called: FANCONI RENOTUBULAR SYNDROME, ACADIAN VARIANT. Identifiers: MedGen C5394473, MONDO:0030056, OMIM 618913.

Submissions (2):

Key Laboratory of Laboratory Medicine, Ministry of Education, Wenzhou Medical University
Classification: Pathogenic for Mitochondrial complex I deficiency, nuclear type 17. Last evaluated: 2025-09-23. Review status: criteria provided, single submitter. Criteria: ACMG Guidelines, 2015. Collection method: research, in vitro. Allele origin: maternal, not applicable. Inheritance: Autosomal recessive inheritance. Affected: yes. Observed: 1 variant allele. Functional consequence: loss of function.
Comment: The NM_152416.4(NDUFAF6):c.33dupG variant is a frameshift duplication predicted to result in a premature termination codon early in the coding sequence. This is expected to lead to nonsense-mediated mRNA decay or production of a truncated protein, consistent with loss of function. Loss-of-function is an established disease mechanism for NDUFAF6-associated mitochondrial complex I deficiency, supporting PVS1. The variant is absent or extremely rare in population databases, supporting PM2. In affected individuals, this variant has been observed in the homozygous state or in trans with pathogenic variants, consistent with autosomal recessive inheritance, supporting PM3. The clinical phenotype of affected individuals is highly specific for mitochondrial complex I deficiency, further supporting PP4. Taken together, the evidence (PVS1, PM2, PM3, PP4) supports classification of this variant as:Pathogenic

Juno Genomics, Hangzhou Juno Genomics, Inc
Classification: Likely pathogenic for Fanconi renotubular syndrome 5; Mitochondrial complex I deficiency, nuclear type 17. Review status: criteria provided, single submitter. Criteria: ACMG Guidelines, 2015. Collection method: clinical testing. Allele origin: germline.
Comment: Null variant in a gene where loss of function (LOF) is a known mechanism of disease.;Absent from controls (or at extremely low frequency if recessive) in Genome Aggregation Database.